The following is an entry in ClinVar:

ClinVar aggregate classification (germline): Benign/Likely benign. Review status: criteria provided, multiple submitters, no conflicts (2 of 4 stars). 6 submissions from 6 submitters: Benign (2); Likely benign (4). Last evaluated 2026-01-21.

Conditions:
Glycogen storage disease IXb (GSD9B). Also called: PHOSPHORYLASE KINASE DEFICIENCY OF LIVER AND MUSCLE, AUTOSOMAL RECESSIVE; GLYCOGENOSIS OF LIVER AND MUSCLE, AUTOSOMAL RECESSIVE; GSD IXb. Identifiers: Orphanet 79240, MedGen C0543514, MONDO:0009868, OMIM 261750.

Allele frequency attached by ClinVar (database versions not stated): gnomAD exomes 0.00024 and 0.00056; ExAC 0.00071; ESP Exome Variant Server 0.00208; gnomAD 0.00246 and 0.00258; TOPMed 0.00255; 1000 Genomes Project 0.00300; 1000 Genomes Project 30x 0.00328.
gnomAD v4.1: 675 of 1,391,076 alleles (0.049%); highest among the groups gnomAD compares: African/African-American, 0.84%; 2 homozygotes.

Submissions (6):

Labcorp Genetics (formerly Invitae), Labcorp
Classification: Benign for Glycogen storage disease IXb. Last evaluated: 2026-01-21. Review status: criteria provided, single submitter. Criteria: Invitae Variant Classification Sherloc (09022015). Collection method: clinical testing. Allele origin: germline.

Blueprint Genetics
Classification: Likely benign. Last evaluated: 2024-11-25. Review status: criteria provided, single submitter. Criteria: ACMG Guidelines, 2015. Collection method: clinical testing. Allele origin: germline.

Illumina Laboratory Services, Illumina
Classification: Likely benign for Glycogen storage disease IXb. Last evaluated: 2018-01-12. Review status: criteria provided, single submitter. Criteria: ICSL Variant Classification Criteria 13 December 2019. Collection method: clinical testing. Allele origin: germline.
Comment: This variant was observed in the ICSL laboratory as part of a predisposition screen in an ostensibly healthy population. It had not been previously curated by ICSL or reported in the Human Gene Mutation Database (HGMD: prior to June 1st, 2018), and was therefore a candidate for classification through an automated scoring system. Utilizing variant allele frequency, disease prevalence and penetrance estimates, and inheritance mode, an automated score was calculated to assess if this variant is too frequent to cause the disease. Based on the score and internal cut-off values, a variant classified as likely benign is not then subjected to further curation. The score for this variant resulted in a classification of likely benign for this disease.

GeneDx
Classification: Likely benign. Last evaluated: 2016-04-15. Review status: criteria provided, single submitter. Criteria: GeneDx Variant Classification (06012015). Collection method: clinical testing. Allele origin: germline. Affected: yes.
Comment: This variant is considered likely benign or benign based on one or more of the following criteria: it is a conservative change, it occurs at a poorly conserved position in the protein, it is predicted to be benign by multiple in silico algorithms, and/or has population frequency not consistent with disease.

PreventionGenetics, part of Exact Sciences
Classification: Benign. Last evaluated: 2015-12-11. Review status: criteria provided, single submitter. Criteria: ACMG Guidelines, 2015. Collection method: clinical testing. Allele origin: germline.

Breakthrough Genomics
Classification: Likely benign. Review status: criteria provided, single submitter. Criteria: ACMG Guidelines, 2015. Collection method: not provided. Allele origin: germline. Inheritance: Autosomal recessive inheritance. Affected: yes.

NM_000293.3(PHKB):c.1127-14A>G

Gene: PHKB (phosphorylase kinase regulatory subunit beta; plus strand). Cytogenetic location: 16q12.1.
Variant type: single nucleotide variant.
Coding change: c.1127-14A>G on transcript NM_000293.3 (MANE Select); 14 bases into the intron before coding-DNA position 1127, A replaced by G.
Molecular consequence: intron variant.
Genome position (GRCh38, 1-based): chr16:47,594,123, A>G. VCF-style: chr16-47594123-A-G. GRCh37 (hg19) VCF-style: chr16-47628034-A-G.
Other names: c.1127-14A>G (NM_001363837.1); c.1106-14A>G (NM_001031835.3).
Identifiers: ClinVar variation 257170 (VCV000257170.15), dbSNP rs185628131, ClinGen allele CA8040714.